The following is an entry in ClinVar:

NM_001304548.2(CFAP47):c.4944C>A (p.Val1648=)

Gene: CFAP47 (cilia and flagella associated protein 47; plus strand). Cytogenetic location: Xp21.1.
Variant type: single nucleotide variant.
Coding change: c.4944C>A on transcript NM_001304548.2 (MANE Select); coding-DNA position 4944, C replaced by A.
Protein change: p.Val1648=; no amino-acid change (valine 1648 retained).
Molecular consequence: synonymous variant.
Genome position (GRCh38, 1-based): chrX:36,098,820, C>A. VCF-style: chrX-36098820-C-A. GRCh37 (hg19) VCF-style: chrX-36116937-C-A.
Identifiers: ClinVar variation 2660265 (VCV002660265.24), dbSNP rs146431612, ClinGen allele CA10382104.

ClinVar aggregate classification (germline): Likely benign (1 of 4 stars; one submission).

Allele frequency attached by ClinVar (database versions not stated): TOPMed 0.00010; ExAC 0.00012; gnomAD 0.00016; ESP Exome Variant Server 0.00038.
gnomAD v4.1: 39 of 1,185,521 alleles (0.0033%); highest among the groups gnomAD compares: African/African-American, 0.035%; no homozygotes.

Submission:

CeGaT Center for Human Genetics Tuebingen
Classification: Likely benign. Last evaluated: 2022-05-01. Review status: criteria provided, single submitter. Criteria: CeGaT Center For Human Genetics Tuebingen Variant Classification Criteria Version 2. Collection method: clinical testing. Allele origin: germline. Affected: yes. Observed: 1 variant allele.
Comment: CFAP47: BP4, BP7